The following is an entry in ClinVar:

NM_000336.3(SCNN1B):c.1794C>G (p.Ser598Arg)

Gene: SCNN1B (sodium channel epithelial 1 subunit beta; plus strand). Cytogenetic location: 16p12.2.
Variant type: single nucleotide variant.
Coding change: c.1794C>G on transcript NM_000336.3 (MANE Select); coding-DNA position 1794, C replaced by G.
Protein change: p.Ser598Arg; replaces serine 598 with arginine.
Molecular consequence: missense variant.
Genome position (GRCh38, 1-based): chr16:23,380,672, C>G. VCF-style: chr16-23380672-C-G. GRCh37 (hg19) VCF-style: chr16-23391993-C-G.
Other names: c.1686C>G, p.Ser562Arg (NM_001410900.1); short protein forms S562R, S598R.
Identifiers: ClinVar variation 4874267 (VCV004874267.2).

ClinVar aggregate classification (germline): Uncertain significance (1 of 4 stars; one submission).

gnomAD v4.1: 3 of 1,612,518 alleles (0.00019%); highest among the groups gnomAD compares: Admixed American, 0.005%; no homozygotes.

Submission:

CeGaT Center for Human Genetics Tuebingen
Classification: Uncertain significance. Last evaluated: 2026-06-01. Review status: criteria provided, single submitter. Criteria: CeGaT Center For Human Genetics Tuebingen Variant Classification Criteria Version 2. Collection method: clinical testing. Allele origin: germline. Affected: yes. Observed: 1 variant allele.
Comment: SCNN1B: PM2, BP4